The following is an entry in ClinVar:

ClinVar aggregate classification (germline): Uncertain significance (1 of 4 stars; one submission).

Conditions:
Neurodevelopmental disorder with hypotonia, seizures, and absent language (NDHSAL). Identifiers: MedGen C4310643, MONDO:0014995, OMIM 617268.

Allele frequency attached by ClinVar (database versions not stated): gnomAD exomes 0.00001.
gnomAD v4.1: 3 of 1,610,422 alleles (0.00019%); highest among the groups gnomAD compares: South Asian, 0.0033%; no homozygotes.

Submission:

Foundation for Research in Genetics and Endocrinology, FRIGE's Institute of Human Genetics
Classification: Uncertain significance for Neurodevelopmental disorder with hypotonia, seizures, and absent language. Last evaluated: 2023-12-25. Review status: criteria provided, single submitter. Criteria: ACMG Guidelines, 2015. Collection method: clinical testing. Allele origin: germline. Inheritance: Autosomal dominant inheritance. Affected: yes. Observed: 1 heterozygote.
Comment: A heterozygous missense variant in exon 9 of the HECW2 gene that results in the amino acid substitution of Proline for Leucine at codon 339 (p.Leu339Pro) was detected. This variant has not been reported in the 1000 genomes, gnomAD (v3.1), gnomdAD (v2.1) and topmed databases. The in silico prediction of the variant is damaging by PolyPhen-2 (HumDiv). The reference codon is conserved across species. In summary, the variant meets our criteria to be classified as variant of uncertain significance.

NM_001348768.2(HECW2):c.1016T>C (p.Leu339Pro)

Gene: HECW2 (HECT, C2 and WW domain containing E3 ubiquitin protein ligase 2; minus strand). Cytogenetic location: 2q32.3.
Variant type: single nucleotide variant.
Coding change: c.1016T>C on transcript NM_001348768.2 (MANE Select); coding-DNA position 1016, T replaced by C.
Protein change: p.Leu339Pro; replaces leucine 339 with proline.
Molecular consequence: missense variant. On other transcripts: 5 prime UTR variant (1).
Genome position (GRCh38, 1-based): chr2:196,319,874, A>G on the plus strand (T>C on the coding strand, the complement: HECW2 is on the minus strand). VCF-style: chr2-196319874-A-G. GRCh37 (hg19) VCF-style: chr2-197184598-A-G.
Other names: p.Leu339Pro; c.-53T>C (NM_001304840.3); c.1016T>C, p.Leu339Pro (NM_020760.4); short protein forms L339P.
Identifiers: ClinVar variation 2683838 (VCV002683838.2), dbSNP rs1444947931, ClinGen allele CA349967435.
Genomic context (GRCh38, chr2:196,319,874, plus strand): 5'-CCTGGCATGTCCTCGTCATCGGAAGGGCTACCTAAGTCTCCATTCACAGAATTGACTCCA[A>G]GTATTGTGCCAACAGCTTCTGGAGAGGCATCTGAATGAGAAAACAGCATTTCTAAAAAAT-3'
Protein context (NP_001335697.1, residues 329-349): DASPEAVGTI[Leu339Pro]GVNSVNGDLG